The following is an entry in ClinVar:

NM_006329.4(FBLN5):c.152A>C (p.Glu51Ala)

Gene: FBLN5 (fibulin 5; minus strand). Cytogenetic location: 14q32.12.
Variant type: single nucleotide variant.
Coding change: c.152A>C on transcript NM_006329.4 (MANE Select); coding-DNA position 152, A replaced by C.
Protein change: p.Glu51Ala; replaces glutamic acid 51 with alanine.
Molecular consequence: missense variant. On other transcripts: 5 prime UTR variant (2).
Genome position (GRCh38, 1-based): chr14:91,937,174, T>G on the plus strand (A>C on the coding strand, the complement: FBLN5 is on the minus strand). VCF-style: chr14-91937174-T-G. GRCh37 (hg19) VCF-style: chr14-92403518-T-G.
Other names: c.152A>C, p.Glu51Ala (NM_001384160.1); c.-17A>C (NM_001384161.1, NM_001384162.1); c.275A>C, p.Glu92Ala (NM_001384158.1); c.203A>C, p.Glu68Ala (NM_001384159.1); short protein forms E51A, E92A, E68A.
Identifiers: ClinVar variation 2997697 (VCV002997697.3), dbSNP rs1187336222, ClinGen allele CA390640076.

ClinVar aggregate classification (germline): Uncertain significance (1 of 4 stars; one submission).

Allele frequency attached by ClinVar (database versions not stated): gnomAD exomes below 0.00001.
gnomAD v4.1: 1 of 1,614,084 alleles (0.000062%); highest among the groups gnomAD compares: East Asian, 0.0022%; no homozygotes.

Submission:

Labcorp Genetics (formerly Invitae), Labcorp
Classification: Uncertain significance. Last evaluated: 2025-01-07. Review status: criteria provided, single submitter. Criteria: Invitae Variant Classification Sherloc (09022015). Collection method: clinical testing. Allele origin: germline.
Comment: This sequence change replaces glutamic acid, which is acidic and polar, with alanine, which is neutral and non-polar, at codon 51 of the FBLN5 protein (p.Glu51Ala). This variant is present in population databases (no rsID available, gnomAD 0.006%). This variant has not been reported in the literature in individuals affected with FBLN5-related conditions. ClinVar contains an entry for this variant (Variation ID: 2997697). An algorithm developed to predict the effect of missense changes on protein structure and function (PolyPhen-2) suggests that this variant is likely to be tolerated. In summary, the available evidence is currently insufficient to determine the role of this variant in disease. Therefore, it has been classified as a Variant of Uncertain Significance.